The following is an entry in ClinVar:

ClinVar aggregate classification (germline): Uncertain significance (1 of 4 stars; one submission).

Allele frequency attached by ClinVar (database versions not stated): gnomAD exomes below 0.00001.
gnomAD v4.1: 1 of 1,612,994 alleles (0.000062%); highest among the groups gnomAD compares: Non-Finnish European, 0.000085%; no homozygotes.

Submission:

Labcorp Genetics (formerly Invitae), Labcorp
Classification: Uncertain significance. Last evaluated: 2024-03-11. Review status: criteria provided, single submitter. Criteria: Invitae Variant Classification Sherloc (09022015). Collection method: clinical testing. Allele origin: germline.
Comment: This sequence change replaces proline, which is neutral and non-polar, with leucine, which is neutral and non-polar, at codon 1026 of the CACNA1E protein (p.Pro1026Leu). This variant is not present in population databases (gnomAD no frequency). This variant has not been reported in the literature in individuals affected with CACNA1E-related conditions. ClinVar contains an entry for this variant (Variation ID: 1967743). Advanced modeling of protein sequence and biophysical properties (such as structural, functional, and spatial information, amino acid conservation, physicochemical variation, residue mobility, and thermodynamic stability) performed at Invitae indicates that this missense variant is not expected to disrupt CACNA1E protein function with a negative predictive value of 95%. In summary, the available evidence is currently insufficient to determine the role of this variant in disease. Therefore, it has been classified as a Variant of Uncertain Significance.

NM_001205293.3(CACNA1E):c.3077C>T (p.Pro1026Leu)

Gene: CACNA1E (calcium voltage-gated channel subunit alpha1 E; plus strand). Cytogenetic location: 1q25.3.
Variant type: single nucleotide variant.
Coding change: c.3077C>T on transcript NM_001205293.3 (MANE Select); coding-DNA position 3077, C replaced by T.
Protein change: p.Pro1026Leu; replaces proline 1026 with leucine.
Molecular consequence: missense variant.
Genome position (GRCh38, 1-based): chr1:181,733,565, C>T. VCF-style: chr1-181733565-C-T. GRCh37 (hg19) VCF-style: chr1-181702701-C-T.
Other names: c.3077C>T, p.Pro1026Leu (NM_000721.4); c.3020C>T, p.Pro1007Leu (NM_001205294.2); short protein forms P1007L, P1026L.
Identifiers: ClinVar variation 1967743 (VCV001967743.5), dbSNP rs2528712140, ClinGen allele CA343620876.
Genomic context (GRCh38, chr1:181,733,565, plus strand): 5'-TAGTCCTGCCCCATCCTGAGCTGGAAGTGGGGAAGCACGTGGTGCTGACGGAGCAGGAGC[C>T]AGAAGGCAGCAGTGAGCAGGCCCTGCTGGGGAATGTGCAGCTAGACATGGGCCGGGTCAT-3'
Protein context (NP_001192222.1, residues 1016-1036): GKHVVLTEQE[Pro1026Leu]EGSSEQALLG